The following is an entry in ClinVar:

NM_001111.5(ADAR):c.2274C>T (p.Phe758=)

Gene: ADAR (adenosine deaminase RNA specific; minus strand). Cytogenetic location: 1q21.3.
Variant type: single nucleotide variant.
Coding change: c.2274C>T on transcript NM_001111.5 (MANE Select); coding-DNA position 2274, C replaced by T.
Protein change: p.Phe758=; no amino-acid change (phenylalanine 758 retained).
Molecular consequence: synonymous variant.
Genome position (GRCh38, 1-based): chr1:154,590,406, G>A on the plus strand (C>T on the coding strand, the complement: ADAR is on the minus strand). VCF-style: chr1-154590406-G-A. GRCh37 (hg19) VCF-style: chr1-154562882-G-A.
Other names: c.1389C>T, p.Phe463= (NM_001025107.3, NM_001193495.2, NM_001365046.1 and 3 more transcripts); c.2301C>T, p.Phe767= (NM_001365045.1); c.2274C>T, p.Phe758= (NM_015840.4); c.2217C>T, p.Phe739= (NM_015841.4).
Identifiers: ClinVar variation 1156238 (VCV001156238.33), dbSNP rs149039619, ClinGen allele CA1131322.

ClinVar aggregate classification (germline): Likely benign. Review status: criteria provided, multiple submitters, no conflicts (2 of 4 stars). 3 submissions from 3 submitters: Likely benign (3). Last evaluated 2025-11-28.

Conditions:
Symmetrical dyschromatosis of extremities (DSH). Also called: DYSCHROMATOSIS SYMMETRICA HEREDITARIA 1; Dyschromatosis symmetrica hereditaria; RETICULATE ACROPIGMENTATION OF DOHI; SYMMETRIC DYSCHROMATOSIS OF THE EXTREMITIES. Identifiers: Orphanet 41, MedGen C0406775, MONDO:0007483, OMIM 127400.
Aicardi-Goutieres syndrome 6 (AGS6). Identifiers: Orphanet 51, MedGen C3539013, MONDO:0014007, OMIM 615010.

Allele frequency attached by ClinVar (database versions not stated): gnomAD exomes 0.00002 and 0.00006; ExAC 0.00006; ESP Exome Variant Server 0.00008; gnomAD 0.00011 and 0.00012; TOPMed 0.00011; 1000 Genomes Project 0.00060; 1000 Genomes Project 30x 0.00062.
gnomAD v4.1: 51 of 1,613,974 alleles (0.0032%); highest among the groups gnomAD compares: African/African-American, 0.024%; no homozygotes.

Submissions (3):

Labcorp Genetics (formerly Invitae), Labcorp
Classification: Likely benign for Aicardi-Goutieres syndrome 6; Symmetrical dyschromatosis of extremities. Last evaluated: 2025-11-28. Review status: criteria provided, single submitter. Criteria: Invitae Variant Classification Sherloc (09022015). Collection method: clinical testing. Allele origin: germline.

Blueprint Genetics
Classification: Likely benign. Last evaluated: 2024-08-14. Review status: criteria provided, single submitter. Criteria: ACMG Guidelines, 2015. Collection method: clinical testing. Allele origin: germline.

CeGaT Center for Human Genetics Tuebingen
Classification: Likely benign. Last evaluated: 2023-03-01. Review status: criteria provided, single submitter. Criteria: CeGaT Center For Human Genetics Tuebingen Variant Classification Criteria Version 2. Collection method: clinical testing. Allele origin: germline. Affected: yes. Observed: 1 variant allele.
Comment: ADAR: BP4, BP7